The following is an entry in ClinVar:

NM_001458.5(FLNC):c.5345T>G (p.Leu1782Arg)

Genes: FLNC-AS1 (FLNC antisense RNA 1; minus strand), FLNC (filamin C; plus strand). Cytogenetic location: 7q32.1.
Variant type: single nucleotide variant.
Coding change: c.5345T>G on transcript NM_001458.5 (MANE Select); coding-DNA position 5345, T replaced by G.
Protein change: p.Leu1782Arg; replaces leucine 1782 with arginine.
Molecular consequence: missense variant.
Genome position (GRCh38, 1-based): chr7:128,850,430, T>G. VCF-style: chr7-128850430-T-G. GRCh37 (hg19) VCF-style: chr7-128490484-T-G.
Other names: c.5246T>G, p.Leu1749Arg (NM_001127487.2); short protein forms L1782R, L1749R.
Identifiers: ClinVar variation 4614189 (VCV004614189.1).

ClinVar aggregate classification (germline): Uncertain significance (1 of 4 stars; one submission).

Conditions:
Cardiovascular phenotype. Identifiers: MedGen CN230736.

Submission:

Ambry Genetics
Classification: Uncertain significance for Cardiovascular phenotype. Last evaluated: 2025-09-25. Review status: criteria provided, single submitter. Criteria: Ambry Variant Classification Scheme 2023. Collection method: clinical testing. Allele origin: germline.
Comment: The p.L1782R variant (also known as c.5345T>G), located in coding exon 32 of the FLNC gene, results from a T to G substitution at nucleotide position 5345. The leucine at codon 1782 is replaced by arginine, an amino acid with dissimilar properties. This amino acid position is conserved. In addition, this alteration is predicted to be deleterious by in silico analysis. Based on the available evidence, the clinical significance of this variant remains unclear.